The following is an entry in ClinVar:

NM_001197104.2(KMT2A):c.8943C>G (p.Ser2981Arg)

Gene: KMT2A (lysine methyltransferase 2A; plus strand). Cytogenetic location: 11q23.3.
Variant type: single nucleotide variant.
Coding change: c.8943C>G on transcript NM_001197104.2 (MANE Select); coding-DNA position 8943, C replaced by G.
Protein change: p.Ser2981Arg; replaces serine 2981 with arginine.
Molecular consequence: missense variant.
Genome position (GRCh38, 1-based): chr11:118,504,835, C>G. VCF-style: chr11-118504835-C-G. GRCh37 (hg19) VCF-style: chr11-118375550-C-G.
Other names: c.9033C>G, p.Ser3011Arg (NM_001412597.1); c.8934C>G, p.Ser2978Arg (NM_005933.4); short protein forms S2978R, S3011R, S2981R.
Identifiers: ClinVar variation 2913416 (VCV002913416.3), dbSNP rs146635751, ClinGen allele CA6304538.

ClinVar aggregate classification (germline): Uncertain significance (1 of 4 stars; one submission).

Allele frequency attached by ClinVar (database versions not stated): gnomAD 0.00005; ESP Exome Variant Server 0.00015; gnomAD exomes 0.00001; TOPMed 0.00008; ExAC 0.00001.
gnomAD v4.1: 11 of 1,614,126 alleles (0.00068%); highest among the groups gnomAD compares: African/African-American, 0.012%; no homozygotes.

Submission:

Labcorp Genetics (formerly Invitae), Labcorp
Classification: Uncertain significance. Last evaluated: 2025-02-10. Review status: criteria provided, single submitter. Criteria: Invitae Variant Classification Sherloc (09022015). Collection method: clinical testing. Allele origin: germline.
Comment: This sequence change replaces serine, which is neutral and polar, with arginine, which is basic and polar, at codon 2981 of the KMT2A protein (p.Ser2981Arg). This variant is present in population databases (rs146635751, gnomAD 0.01%). This variant has not been reported in the literature in individuals affected with KMT2A-related conditions. ClinVar contains an entry for this variant (Variation ID: 2913416). Invitae Evidence Modeling of protein sequence and biophysical properties (such as structural, functional, and spatial information, amino acid conservation, physicochemical variation, residue mobility, and thermodynamic stability) indicates that this missense variant is not expected to disrupt KMT2A protein function with a negative predictive value of 95%. In summary, the available evidence is currently insufficient to determine the role of this variant in disease. Therefore, it has been classified as a Variant of Uncertain Significance.